The following is an entry in ClinVar:

NM_016507.4(CDK12):c.1294A>G (p.Asn432Asp)

Gene: CDK12 (cyclin dependent kinase 12; plus strand). Cytogenetic location: 17q12.
Variant type: single nucleotide variant.
Coding change: c.1294A>G on transcript NM_016507.4 (MANE Select); coding-DNA position 1294, A replaced by G.
Protein change: p.Asn432Asp; replaces asparagine 432 with aspartic acid.
Molecular consequence: missense variant.
Genome position (GRCh38, 1-based): chr17:39,471,126, A>G. VCF-style: chr17-39471126-A-G. GRCh37 (hg19) VCF-style: chr17-37627379-A-G.
Other names: c.1294A>G, p.Asn432Asp (NM_015083.4); short protein forms N432D.
Identifiers: ClinVar variation 3999520 (VCV003999520.1).

ClinVar aggregate classification (germline): Uncertain significance (1 of 4 stars; one submission).

gnomAD v4.1: 7 of 1,606,638 alleles (0.00044%); highest among the groups gnomAD compares: Non-Finnish European, 0.00059%; no homozygotes.

Submission:

Ambry Genetics
Classification: Uncertain significance. Last evaluated: 2025-06-01. Review status: criteria provided, single submitter. Criteria: Ambry Variant Classification Scheme 2023. Collection method: clinical testing. Allele origin: germline.
Comment: The p.N432D variant (also known as c.1294A>G), located in coding exon 2 of the CDK12 gene, results from an A to G substitution at nucleotide position 1294. The asparagine at codon 432 is replaced by aspartic acid, an amino acid with highly similar properties. This amino acid position is conserved. In addition, this alteration is predicted to be tolerated by in silico analysis. Based on the available evidence, the clinical significance of this variant remains unclear.